The following is an entry in ClinVar:

ClinVar aggregate classification (germline): Likely benign. Review status: criteria provided, multiple submitters, no conflicts (2 of 4 stars). 2 submissions from 2 submitters: Likely benign (2). Last evaluated 2026-02-20.

Conditions:
VPS13B-related disorder. Also called: VPS13B-related condition.
Cohen syndrome (COH1). Also called: Cutis verticis gyrata, retinitis pigmentosa, and sensorineural deafness; PEPPER SYNDROME. Identifiers: Orphanet 193, MedGen C0265223, MONDO:0008999, OMIM 216550.

gnomAD v4.1: 1 of 1,612,996 alleles (0.000062%); highest among the groups gnomAD compares: Non-Finnish European, 0.000085%; no homozygotes.

Submissions (2):

PreventionGenetics, part of Exact Sciences
Classification: Likely benign for VPS13B-related condition. Last evaluated: 2026-02-20. Review status: criteria provided, single submitter. Criteria: ACMG Guidelines, 2015. Collection method: clinical testing. Allele origin: germline.
Comment: This variant is classified as likely benign based on ACMG/AMP sequence variant interpretation guidelines (Richards et al. 2015 PMID: 25741868, with internal and published modifications).

Labcorp Genetics (formerly Invitae), Labcorp
Classification: Likely benign for Cohen syndrome. Last evaluated: 2025-11-27. Review status: criteria provided, single submitter. Criteria: Invitae Variant Classification Sherloc (09022015). Collection method: clinical testing. Allele origin: germline.

NM_152564.5(VPS13B):c.10056C>T (p.Thr3352=)

Gene: VPS13B (vacuolar protein sorting 13 homolog B; plus strand). Cytogenetic location: 8q22.2.
Variant type: single nucleotide variant.
Coding change: c.10056C>T on transcript NM_152564.5 (MANE Select); coding-DNA position 10056, C replaced by T.
Protein change: p.Thr3352=; no amino-acid change (threonine 3352 retained).
Molecular consequence: synonymous variant.
Genome position (GRCh38, 1-based): chr8:99,848,889, C>T. VCF-style: chr8-99848889-C-T. GRCh37 (hg19) VCF-style: chr8-100861117-C-T.
Other names: c.10131C>T, p.Thr3377= (NM_017890.5); c.10056C>T (NM_152564.4).
Identifiers: ClinVar variation 1086242 (VCV001086242.10), dbSNP rs2130902671, ClinGen allele CA462335236.